The following is an entry in ClinVar:

ClinVar aggregate classification (germline): Uncertain significance. Review status: criteria provided, multiple submitters, no conflicts (2 of 4 stars). 10 submissions from 10 submitters: Uncertain significance (10). Last evaluated 2026-10-01.

Conditions:
Hereditary cancer-predisposing syndrome. Also called: Hereditary neoplastic syndrome; Tumor predisposition; Neoplastic Syndromes, Hereditary; Hereditary Cancer Syndrome. Identifiers: Orphanet 140162, MedGen C0027672, MeSH D009386, MONDO:0015356.
Breast-ovarian cancer, familial, susceptibility to, 3. Also called: RAD51C-Related Breast/Ovarian Cancer. Identifiers: Orphanet 145, MedGen C3150659, MONDO:0013253, OMIM 613399.
Fanconi anemia complementation group O. Also called: RAD51C-Related Fanconi Anemia. Identifiers: Orphanet 84, MedGen C3150653, MONDO:0013248, OMIM 613390.

Allele frequency attached by ClinVar (database versions not stated): gnomAD 0.00006; TOPMed 0.00007.

Submissions (10):

St. Jude Molecular Pathology, St. Jude Children's Research Hospital
Classification: Uncertain significance for Breast-ovarian cancer, familial, susceptibility to, 3. Last evaluated: 2026-10-01. Review status: criteria provided, single submitter. Criteria: St. Jude Assertion Criteria 2020. Collection method: clinical testing. Allele origin: germline.
Comment: The RAD51C c.1108C>T p.(Arg370Ter) change is a nonsense variant that is predicted to cause premature protein truncation. T his variant is not predicted to result in nonsense mediated decay and the truncated region removes less than 10% of the protein. This variant has been identified in a family with a history of breast cancer (PMID: 34570441). This variant has a maximum sub population frequency of 0.0057% in gnomAD v2.1.1. In summary, the evidence currently available is insufficient to determine the clinical significance of this variant. It has therefore been classified as of uncertain significance.

Center for Genomic Medicine, Rigshospitalet, Copenhagen University Hospital
Classification: Uncertain significance. Last evaluated: 2025-12-29. Review status: criteria provided, single submitter. Criteria: ACMG Guidelines, 2015. Collection method: clinical testing. Allele origin: germline.

Labcorp Genetics (formerly Invitae), Labcorp
Classification: Uncertain significance for Fanconi anemia complementation group O. Last evaluated: 2025-11-05. Review status: criteria provided, single submitter. Criteria: Invitae Variant Classification Sherloc (09022015). Collection method: clinical testing. Allele origin: germline.
Comment: This sequence change creates a premature translational stop signal (p.Arg370*) in the RAD51C gene. While this is not anticipated to result in nonsense mediated decay, it is expected to disrupt the last 7 amino acid(s) of the RAD51C protein. This variant is present in population databases (rs756744016, gnomAD 0.006%). This premature translational stop signal has been observed in individual(s) with breast cancer (PMID: 32809180, 34570441). ClinVar contains an entry for this variant (Variation ID: 187300). RNA analysis performed to evaluate the impact of this premature translational stop signal on mRNA splicing indicates it does not significantly alter splicing (internal data). In summary, the available evidence is currently insufficient to determine the role of this variant in disease. Therefore, it has been classified as a Variant of Uncertain Significance.

Color Diagnostics, LLC DBA Color Health
Classification: Uncertain significance for Hereditary cancer-predisposing syndrome. Last evaluated: 2025-10-14. Review status: criteria provided, single submitter. Criteria: ACMG Guidelines, 2015. Collection method: clinical testing. Allele origin: germline.
Comment: This variant changes 1 nucleotide in exon 9 of the RAD51C gene, creating a premature translation stop signal in the last coding exon. While this mutant transcript is predicted to escape nonsense-mediated decay, it is expected to delete 7 amino acids from the C-terminus of the RAD51C protein. While to our knowledge, functional studies have not been reported for this variant, cells with a variant protein missing the 11 amino acids from the C-terminus have been reported to have reduced mitomycin C resistance (PMID: 12966089). This variant has been reported in individuals affected with breast cancer (PMID: 34570441) and pancreatic cancer (PMID: 35171259). This variant has been identified in 4/280040 chromosomes in the general population by the Genome Aggregation Database (gnomAD). The available evidence is insufficient to determine the role of this variant in disease conclusively. Therefore, this variant is classified as a Variant of Uncertain Significance.

Ambry Genetics
Classification: Uncertain significance for Hereditary cancer-predisposing syndrome. Last evaluated: 2025-01-02. Review status: criteria provided, single submitter. Criteria: Ambry Variant Classification Scheme 2023. Collection method: clinical testing. Allele origin: germline.
Comment: The p.R370* variant (also known as c.1108C>T) located in coding exon 9 of the RAD51C gene, results from a C to T substitution at nucleotide position 1108. This changes the amino acid from an arginine to a stop codon within coding exon 9. This alteration was detected in a cohort of 116 patients from Chinese familial breast cancer families (Dong L et al. Cancer Biol Med, 2021 Sep;19:850-70). This alteration occurs at the 3' terminus of the RAD51C gene, is not expected to trigger nonsense-mediated mRNAdecay, and only impacts the last seven amino acids of the protein. The exact functional effect of this alteration is unknown. Since supporting evidence is limited at this time, the clinical significance of this alteration remains unclear.

Quest Diagnostics Nichols Institute San Juan Capistrano
Classification: Uncertain significance. Last evaluated: 2024-10-22. Review status: criteria provided, single submitter. Criteria: Quest Diagnostics criteria. Collection method: clinical testing. Allele origin: unknown.
Comment: The RAD51C c.1108C>T (p.Arg370*) variant is predicted to cause a premature stop codon in the last exon. This is not expected to result in nonsense-mediated decay, although it is predicted to truncate the protein by 7 amino acids. The potential impact of this alteration on protein function is unclear. This variant has been reported in the published literature in individuals with breast or pancreatic cancer (PMIDs: 35171259 (2022), 34570441 (2021), 32809180 (2020)). The frequency of this variant in the general population, 0.000014 (4/280040 chromosomes (Genome Aggregation Database)), is uninformative in the assessment of its pathogenicity. Based on the available information, we are unable to determine the clinical significance of this variant.

GeneDx
Classification: Uncertain significance. Last evaluated: 2024-06-18. Review status: criteria provided, single submitter. Criteria: GeneDx Variant Classification Process June 2021. Collection method: clinical testing. Allele origin: germline. Affected: yes.
Comment: Not observed at significant frequency in large population cohorts (gnomAD); Nonsense variant predicted to result in protein truncation as the last 7 amino acids are lost, although loss-of-function variants have not been reported downstream of this position in the protein; This variant is associated with the following publications: (PMID: 12966089, 14704354, 37298034, 34570441, 32809180, 35171259)

Women's Health and Genetics/Laboratory Corporation of America, LabCorp
Classification: Uncertain significance. Last evaluated: 2024-05-23. Review status: criteria provided, single submitter. Criteria: LabCorp Variant Classification Summary - May 2015. Collection method: clinical testing. Allele origin: germline.
Comment: Variant summary: RAD51C c.1108C>T (p.Arg370X) results in a premature termination codon, predicted to cause a truncation of the encoded protein, and no downtream pathogenic variants have been reported. The variant allele was found at a frequency of 1.2e-05 in 248636 control chromosomes. c.1108C>T has been reported in the literature in individuals affected with Breast Cancer, Pancreatic ductal adenocarcinoma and Acute pancreatitis, without strong evidence for causality (Bagherzadeh_2020, Dong_2022, Yin_2022). These report(s) do not provide unequivocal conclusions about association of the variant with Hereditary Breast And Ovarian Cancer Syndrome. To our knowledge, no experimental evidence demonstrating an impact on protein function has been reported. The following publications have been ascertained in the context of this evaluation (PMID: 32809180, 34570441, 35171259). ClinVar contains an entry for this variant (Variation ID: 187300). Based on the evidence outlined above, the variant was classified as uncertain significance.

Baylor Genetics
Classification: Uncertain significance for Breast-ovarian cancer, familial, susceptibility to, 3. Last evaluated: 2023-12-27. Review status: criteria provided, single submitter. Criteria: ACMG Guidelines, 2015. Collection method: clinical testing. Allele origin: unknown.

Department of Pathology and Laboratory Medicine, Sinai Health System
Classification: Uncertain significance for Breast-ovarian cancer, familial, susceptibility to, 3. Last evaluated: 2023-12-07. Review status: criteria provided, single submitter. Criteria: ACMG Guidelines, 2015. Collection method: clinical testing. Allele origin: germline. Affected: yes.

Literature cited by the submitters: PubMed 34570441 (cited by 6 submitters); PubMed 32809180 (cited by 5 submitters); PubMed 12966089 (cited by Color Diagnostics, LLC DBA Color Health and Ambry Genetics); PubMed 35171259 (cited by 3 submitters); PubMed 37298034 (cited by Quest Diagnostics Nichols Institute San Juan Capistrano); PubMed 34570411 (cited by Department of Pathology and Laboratory Medicine, Sinai Health System).

NM_058216.3(RAD51C):c.1108C>T (p.Arg370Ter)

Gene: RAD51C (RAD51 paralog C; plus strand). Cytogenetic location: 17q22.
Variant type: single nucleotide variant.
Coding change: c.1108C>T on transcript NM_058216.3 (MANE Select); coding-DNA position 1108, C replaced by T.
Protein change: p.Arg370Ter; replaces arginine 370 with a stop codon.
Molecular consequence: nonsense. On other transcripts: non-coding transcript variant (1).
Genome position (GRCh38, 1-based): chr17:58,734,199, C>T. VCF-style: chr17-58734199-C-T. GRCh37 (hg19) VCF-style: chr17-56811560-C-T.
Other names: short protein forms R370*.
Identifiers: ClinVar variation 187300 (VCV000187300.28), dbSNP rs756744016, ClinGen allele CA197281.